The following is an entry in ClinVar:

NM_000094.4(COL7A1):c.6901-14_6901-13insCCCACAG

Gene: COL7A1 (collagen type VII alpha 1 chain; minus strand). Cytogenetic location: 3p21.31.
Variant type: Insertion.
Coding change: c.6901-14_6901-13insCCCACAG on transcript NM_000094.4 (MANE Select); 14 bases into the intron before coding-DNA position 6901 through 13 bases into the intron before coding-DNA position 6901, CCCACAG inserted.
Molecular consequence: intron variant.
Genome position: GRCh38 VCF-style: chr3-48572551-C-CCTGTGGG. GRCh37 (hg19) VCF-style: chr3-48609984-C-CCTGTGGG.
Identifiers: ClinVar variation 1910935 (VCV001910935.5), dbSNP rs2530905472, ClinGen allele CA2580069928.

ClinVar aggregate classification (germline): Uncertain significance (1 of 4 stars; one submission).

Submission:

Labcorp Genetics (formerly Invitae), Labcorp
Classification: Uncertain significance. Last evaluated: 2023-10-23. Review status: criteria provided, single submitter. Criteria: Invitae Variant Classification Sherloc (09022015). Collection method: clinical testing. Allele origin: germline.
Comment: This sequence change falls in intron 87 of the COL7A1 gene. It does not directly change the encoded amino acid sequence of the COL7A1 protein. This variant is not present in population databases (gnomAD no frequency). This variant has not been reported in the literature in individuals affected with COL7A1-related conditions. ClinVar contains an entry for this variant (Variation ID: 1910935). Algorithms developed to predict the effect of sequence changes on RNA splicing suggest that this variant may create or strengthen a splice site. In summary, the available evidence is currently insufficient to determine the role of this variant in disease. Therefore, it has been classified as a Variant of Uncertain Significance.